The following is an entry in ClinVar:

NM_020894.4(UVSSA):c.707_713del (p.Gly236fs)

Gene: UVSSA (UV stimulated scaffold protein A; plus strand). Cytogenetic location: 4p16.3.
Variant type: Deletion.
Coding change: c.707_713del on transcript NM_020894.4 (MANE Select); coding-DNA positions 707 to 713, 7 bases deleted (GCCCCTG; older notation c.707_713delGCCCCTG).
Protein change: p.Gly236fs; shifts the reading frame from glycine 236.
Molecular consequence: frameshift variant.
Genome position (GRCh38, 1-based): chr4:1,353,186-1,353,192, GCCCCTG deleted; deleting any 7 consecutive bases within chr4:1,353,185-1,353,192 gives the same sequence; the c. name uses the placement nearest the transcript's 3' end. VCF-style (leftmost placement, unchanged base first): chr4-1353184-GGGCCCCT-G. GRCh37 (hg19) VCF-style: chr4-1346972-GGGCCCCT-G.
Other names: c.707_713del, p.Gly236fs (NM_001317934.2, NM_001317935.2); c.707_713delGCCCCTG (NM_020894.4); short protein forms G236fs.
Identifiers: ClinVar variation 4845707 (VCV004845707.1).

ClinVar aggregate classification (germline): Likely pathogenic (1 of 4 stars; one submission).

Conditions:
UV-sensitive syndrome 3 (UVSS3). Identifiers: Orphanet 178338, MedGen C3553328, MONDO:0013834, OMIM 614640.

Submission:

First Genomix Gene Laboratory, Genetic Diagnostics Department
Classification: Likely pathogenic for UV-sensitive syndrome 3. Last evaluated: 2025-01-17. Review status: criteria provided, single submitter. Criteria: ACMG Guidelines, 2015. Collection method: clinical testing. Allele origin: germline. Inheritance: Autosomal recessive inheritance. Affected: no. Observed: 1 variant allele.